The following is an entry in ClinVar:

ClinVar aggregate classification (germline): Uncertain significance (1 of 4 stars; one submission).

Conditions:
Early-infantile DEE. Also called: Early infantile epileptic encephalopathy with suppression bursts; Early infantile epileptic encephalopathy; Ohtahara syndrome. Identifiers: Orphanet 1934, MedGen C0393706, MONDO:0800491.

Allele frequency attached by ClinVar (database versions not stated): TOPMed below 0.00001; gnomAD 0.00001.

Submission:

Labcorp Genetics (formerly Invitae), Labcorp
Classification: Uncertain significance for Early-infantile DEE. Last evaluated: 2022-08-10. Review status: criteria provided, single submitter. Criteria: Invitae Variant Classification Sherloc (09022015). Collection method: clinical testing. Allele origin: germline.
Comment: In summary, the available evidence is currently insufficient to determine the role of this variant in disease. Therefore, it has been classified as a Variant of Uncertain Significance. Algorithms developed to predict the effect of missense changes on protein structure and function are either unavailable or do not agree on the potential impact of this missense change (SIFT: "Deleterious"; PolyPhen-2: "Benign"; Align-GVGD: "Class C0"). This variant has not been reported in the literature in individuals affected with ARHGEF15-related conditions. This variant is not present in population databases (gnomAD no frequency). This sequence change replaces isoleucine, which is neutral and non-polar, with asparagine, which is neutral and polar, at codon 61 of the ARHGEF15 protein (p.Ile61Asn).

NM_173728.4(ARHGEF15):c.182T>A (p.Ile61Asn)

Gene: ARHGEF15 (Rho guanine nucleotide exchange factor 15; plus strand). Cytogenetic location: 17p13.1.
Variant type: single nucleotide variant.
Coding change: c.182T>A on transcript NM_173728.4 (MANE Select); coding-DNA position 182, T replaced by A.
Protein change: p.Ile61Asn; replaces isoleucine 61 with asparagine.
Molecular consequence: missense variant.
Genome position (GRCh38, 1-based): chr17:8,312,221, T>A. VCF-style: chr17-8312221-T-A. GRCh37 (hg19) VCF-style: chr17-8215539-T-A.
Other names: c.182T>A, p.Ile61Asn (NM_025014.2); short protein forms I61N.
Identifiers: ClinVar variation 1906134 (VCV001906134.5), dbSNP rs1904672229, ClinGen allele CA398013634.